The following is an entry in ClinVar:

ClinVar aggregate classification (germline): Likely pathogenic (1 of 4 stars; one submission).

Conditions:
LAMA2-related muscular dystrophy (LAMA2-RD). Also called: Laminin alpha 2-related dystrophy. Identifiers: MedGen C5679788, MONDO:0100228.

Submission:

Myriad Genetics, Inc.
Classification: Likely pathogenic for LAMA2-related muscular dystrophy. Last evaluated: 2019-12-28. Review status: criteria provided, single submitter. Criteria: Myriad Autosomal Dominant, Autosomal Recessive and X-Linked Classification Criteria (2023). Collection method: clinical testing. Allele origin: unknown.
Comment: NM_000426.3(LAMA2):c.2703T>A(C901*) is expected to be pathogenic in the context of LAMA2-related muscular dystrophy. This variant is predicted to lead to an abnormal or absent protein product due to the creation of a premature termination codon in LAMA2, a gene where loss-of-function variants are known to be pathogenic. Please note: this variant was assessed in the context of healthy population screening.

NM_000426.4(LAMA2):c.2703T>A (p.Cys901Ter)

Gene: LAMA2 (laminin subunit alpha 2; plus strand). Cytogenetic location: 6q22.33.
Variant type: single nucleotide variant.
Coding change: c.2703T>A on transcript NM_000426.4 (MANE Select); coding-DNA position 2703, T replaced by A.
Protein change: p.Cys901Ter; replaces cysteine 901 with a stop codon.
Molecular consequence: nonsense.
Genome position (GRCh38, 1-based): chr6:129,288,012, T>A. VCF-style: chr6-129288012-T-A. GRCh37 (hg19) VCF-style: chr6-129609157-T-A.
Other names: c.2703T>A, p.Cys901Ter (NM_001079823.2); short protein forms C901*.
Identifiers: ClinVar variation 984196 (VCV000984196.4), dbSNP rs1789398455, ClinGen allele CA365610062.